The following is an entry in ClinVar:

NM_002180.3(IGHMBP2):c.166C>T (p.Arg56Cys)

Gene: IGHMBP2 (immunoglobulin mu DNA binding protein 2; plus strand). Cytogenetic location: 11q13.3.
Variant type: single nucleotide variant.
Coding change: c.166C>T on transcript NM_002180.3 (MANE Select); coding-DNA position 166, C replaced by T.
Protein change: p.Arg56Cys; replaces arginine 56 with cysteine.
Molecular consequence: missense variant.
Genome position (GRCh38, 1-based): chr11:68,906,148, C>T. VCF-style: chr11-68906148-C-T. GRCh37 (hg19) VCF-style: chr11-68673616-C-T.
Other names: short protein forms R56C.
Identifiers: ClinVar variation 466582 (VCV000466582.8), dbSNP rs201649839, ClinGen allele CA6153204.

ClinVar aggregate classification (germline): Uncertain significance (1 of 4 stars; one submission).

Conditions:
Charcot-Marie-Tooth disease axonal type 2S. Also called: CHARCOT-MARIE-TOOTH NEUROPATHY, TYPE 2S; CHARCOT-MARIE-TOOTH DISEASE, AXONAL, AUTOSOMAL RECESSIVE, TYPE 2S. Identifiers: Orphanet 443073, MedGen C4015349, MONDO:0014511, OMIM 616155.
Autosomal recessive distal spinal muscular atrophy 1. Also called: NEURONOPATHY, DISTAL HEREDITARY MOTOR, HARDING TYPE VI; NEUROPATHY, DISTAL HEREDITARY MOTOR, AUTOSOMAL RECESSIVE 1; HMN VI; NEURONOPATHY, SEVERE INFANTILE AXONAL, WITH RESPIRATORY FAILURE; SEVERE INFANTILE AXONAL NEUROPATHY WITH RESPIRATORY FAILURE; SPINAL MUSCULAR ATROPHY, DIAPHRAGMATIC. Identifiers: Orphanet 98920, MedGen C1858517, MONDO:0011436, OMIM 604320.

Allele frequency attached by ClinVar (database versions not stated): TOPMed below 0.00001; ExAC 0.00001; gnomAD 0.00001.
gnomAD v4.1: 18 of 1,613,986 alleles (0.0011%); highest among the groups gnomAD compares: South Asian, 0.018%; no homozygotes.

Submission:

Labcorp Genetics (formerly Invitae), Labcorp
Classification: Uncertain significance for Autosomal recessive distal spinal muscular atrophy 1; Charcot-Marie-Tooth disease axonal type 2S. Last evaluated: 2022-09-06. Review status: criteria provided, single submitter. Criteria: Invitae Variant Classification Sherloc (09022015). Collection method: clinical testing. Allele origin: germline.
Comment: This sequence change replaces arginine, which is basic and polar, with cysteine, which is neutral and slightly polar, at codon 56 of the IGHMBP2 protein (p.Arg56Cys). This variant is present in population databases (rs201649839, gnomAD 0.01%). This variant has not been reported in the literature in individuals affected with IGHMBP2-related conditions. ClinVar contains an entry for this variant (Variation ID: 466582). Advanced modeling of protein sequence and biophysical properties (such as structural, functional, and spatial information, amino acid conservation, physicochemical variation, residue mobility, and thermodynamic stability) performed at Invitae indicates that this missense variant is not expected to disrupt IGHMBP2 protein function. In summary, the available evidence is currently insufficient to determine the role of this variant in disease. Therefore, it has been classified as a Variant of Uncertain Significance.